The following is an entry in ClinVar:

NM_024426.6(WT1):c.1303C>T (p.Arg435Ter)

Gene: WT1 (WT1 transcription factor; minus strand). Cytogenetic location: 11p13.
Variant type: single nucleotide variant.
Coding change: c.1303C>T on transcript NM_024426.6 (MANE Select); coding-DNA position 1303, C replaced by T.
Protein change: p.Arg435Ter; replaces arginine 435 with a stop codon.
Molecular consequence: nonsense. On other transcripts: non-coding transcript variant (1).
Genome position (GRCh38, 1-based): chr11:32,392,717, G>A on the plus strand (C>T on the coding strand, the complement: WT1 is on the minus strand). VCF-style: chr11-32392717-G-A. GRCh37 (hg19) VCF-style: chr11-32414263-G-A.
Other names: R362*; c.1252C>T, p.Arg418Ter (NM_000378.6, NM_001407045.1, NM_001407049.1); c.652C>T, p.Arg218Ter (NM_001198551.2); c.601C>T, p.Arg201Ter (NM_001198552.2); c.115C>T, p.Arg39Ter (NM_001367854.1); c.1297C>T, p.Arg433Ter (NM_001407044.1); c.1303C>T, p.Arg435Ter (NM_001407046.1, NM_024424.5); c.1180C>T, p.Arg394Ter (NM_001407047.1); and 3 more; short protein forms R218*, R201*, R39*, R418*, R435*, R394*, R377*, R181*.
Identifiers: ClinVar variation 3497 (VCV000003497.26), dbSNP rs121907906, ClinGen allele CA016273.

ClinVar aggregate classification (germline): Pathogenic. Review status: criteria provided, multiple submitters, no conflicts (2 of 4 stars). 12 submissions from 11 submitters: Pathogenic (10). 2 of the submissions do not count toward it. Last evaluated 2026-10-01.

Conditions:
WT1-related disorder. Also called: WT1-related disorders. Identifiers: MedGen CN377814.
Wilms tumor 1 (WT1). Also called: Wilms tumor, somatic. Identifiers: Orphanet 654, MedGen CN033288, MONDO:0008679, OMIM 194070.
11p partial monosomy syndrome (WAGR). Also called: WAGR syndrome; CHROMOSOME 11p13 DELETION SYNDROME; WAGR Complex; WAGR Spectrum Disorder. Identifiers: Orphanet 893, MedGen C0206115, MONDO:0008681, OMIM 194072.
Frasier syndrome. Identifiers: Orphanet 347, MedGen C0950122, MeSH D052159, MONDO:0007635, OMIM 136680.
Drash syndrome (DDS). Also called: WILMS TUMOR AND PSEUDO- OR TRUE HERMAPHRODITISM; NEPHROPATHY, WILMS TUMOR, AND GENITAL ANOMALIES. Identifiers: Orphanet 220, MedGen C0950121, MONDO:0008682, OMIM 194080.
Inborn genetic diseases. Identifiers: MedGen C0950123, MeSH D030342.
Mesothelioma, malignant (MESOM). Also called: Malignant mesothelioma (disease). Identifiers: Orphanet 50251, MedGen C0345967, MONDO:0006292, OMIM 156240, HP:0100001.
Meacham syndrome. Also called: Meacham Winn Culler syndrome. Identifiers: Orphanet 3097, MedGen C1837026, MONDO:0012164, OMIM 608978.
Aniridia 1 (AN1). Identifiers: Orphanet 250923, MedGen C0344542, MONDO:0024507, OMIM 106210.
Nephrotic syndrome, type 4 (NPHS4). Also called: Familial mesangial sclerosis; Nephrotic syndrome, early onset with diffuse mesangial sclerosis. Identifiers: Orphanet 656, MedGen C3151568, MONDO:0009733, OMIM 256370.

Submissions (12):

St. Jude Molecular Pathology, St. Jude Children's Research Hospital
Classification: Pathogenic for Wilms tumor 1. Last evaluated: 2026-10-01. Review status: criteria provided, single submitter. Criteria: St. Jude Assertion Criteria 2020. Collection method: clinical testing. Allele origin: germline.
Comment: The WT1 c.1252C>T (p.Arg418Ter) change is a nonsense variant that is predicted to cause premature protein truncation or absence of protein due to nonsense-mediated decay. This variant corresponds to NM_024426.6:c.1303C>T (p.Arg435*) in the MANE select transcript. This variant is also absent in gnomAD v2.1.1. In summary, this variant meets criteria to be classified as pathogenic.

PreventionGenetics, part of Exact Sciences
Classification: Pathogenic for WT1-related condition. Last evaluated: 2026-06-16. Review status: criteria provided, single submitter. Criteria: ACMG Guidelines, 2015. Collection method: clinical testing. Allele origin: germline.
Comment: The WT1 c.1288C>T variant is predicted to result in premature protein termination (p.Arg430*). This variant, also known as p.Arg362* or p.R362X, has been reported in several individuals to be causative for Wilms tumor with and without genitourinary features (Clarkson et al. 1993. PubMed ID: 8411073; Köhler et al. 2011. PubMed ID: 21508141; Lipska et al. 2013. PubMed ID: 23515051). To our knowledge, this variant has not been reported in a large population database (gnomAD), indicating this variant is rare. This variant is interpreted as pathogenic in ClinVar (Variation ID: 3497). Nonsense variants in WT1 are expected to be pathogenic. This variant is interpreted as pathogenic.

Ambry Genetics
Classification: Pathogenic for Inborn genetic diseases. Last evaluated: 2025-11-12. Review status: criteria provided, single submitter. Criteria: Ambry Variant Classification Scheme 2023. Collection method: clinical testing. Allele origin: germline.
Comment: The p.R430* pathogenic mutation (also known as c.1288C>T), located in coding exon 8 of the WT1 gene, results from a C to T substitution at nucleotide position 1288. This changes the amino acid from an arginine to a stop codon within coding exon 8. This variant is considered to be rare based on population cohorts in the Genome Aggregation Database (gnomAD). This alteration is expected to result in loss of function by premature protein truncation or nonsense-mediated mRNA decay. As such, this alteration is interpreted as a disease-causing mutation.

Center for Genomic Medicine, Rigshospitalet, Copenhagen University Hospital
Classification: Pathogenic. Last evaluated: 2025-03-04. Review status: criteria provided, single submitter. Criteria: ACMG Guidelines, 2015. Collection method: clinical testing. Allele origin: germline.

GeneDx
Classification: Pathogenic. Last evaluated: 2023-07-28. Review status: criteria provided, single submitter. Criteria: GeneDx Variant Classification Process June 2021. Collection method: clinical testing. Allele origin: germline. Affected: yes.
Comment: Nonsense variant predicted to result in protein truncation or nonsense mediated decay in a gene for which loss-of-function is a known mechanism of disease; Not observed at significant frequency in large population cohorts (gnomAD); Identified in individuals with personal history consistent with pathogenic variants in this gene (Kaplinsky et al., 1996; Kohler et al., 2011; Lehnhardt et al., 2015); This variant is associated with the following publications: (PMID: 25525159, 21508141, 23515051, 20106868, 9090524, 25818337, 8411073, 34308104, 36496321, 8975729)

Labcorp Genetics (formerly Invitae), Labcorp
Classification: Pathogenic for Wilms tumor 1; Drash syndrome; 11p partial monosomy syndrome; Frasier syndrome. Last evaluated: 2023-05-30. Review status: criteria provided, single submitter. Criteria: Invitae Variant Classification Sherloc (09022015). Collection method: clinical testing. Allele origin: germline.
Comment: This premature translational stop signal has been observed in individuals with Wilms tumor (PMID: 8975729, 20106868, 21508141, 23515051, 25818337). This variant is also known as p.Arg362*. ClinVar contains an entry for this variant (Variation ID: 3497). For these reasons, this variant has been classified as Pathogenic. This variant is not present in population databases (gnomAD no frequency). This sequence change creates a premature translational stop signal (p.Arg430*) in the WT1 gene. It is expected to result in an absent or disrupted protein product. Loss-of-function variants in WT1 are known to be pathogenic (PMID: 15150775).

Blueprint Genetics
Classification: Pathogenic for WT1-related disorders. Last evaluated: 2022-10-17. Review status: criteria provided, single submitter. Criteria: ACMG Guidelines, 2015. Collection method: clinical testing. Allele origin: germline. Affected: yes. Observed: 1 variant allele.

Genetics and Molecular Pathology, SA Pathology
Classification: Pathogenic for Wilms tumor 1. Last evaluated: 2021-04-27. Review status: criteria provided, single submitter. Criteria: ACMG Guidelines, 2015. Collection method: clinical testing. Allele origin: germline. Inheritance: Autosomal dominant inheritance. Affected: yes.

Fulgent Genetics
Classification: Pathogenic for Aniridia 1; Frasier syndrome; Mesothelioma, malignant; Wilms tumor 1; 11p partial monosomy syndrome; Drash syndrome; Nephrotic syndrome, type 4; Meacham syndrome. Last evaluated: 2018-10-31. Review status: criteria provided, single submitter. Criteria: ACMG Guidelines, 2015. Collection method: clinical testing. Allele origin: unknown.

Juno Genomics, Hangzhou Juno Genomics, Inc
Classification: Pathogenic for Drash syndrome; Frasier syndrome; Meacham syndrome; Mesothelioma, malignant; Nephrotic syndrome, type 4; Wilms tumor 1. Review status: criteria provided, single submitter. Criteria: ACMG Guidelines, 2015. Collection method: clinical testing. Allele origin: germline. Affected: yes.
Comment: Absent from controls (or at extremely low frequency if recessive) in Genome Aggregation Database, Exome Sequencing Project, 1000 Genomes Project, or Exome Aggregation Consortium.;Null variant in a gene where loss of function (LOF) is a known mechanism of disease.;De novo (both maternity and paternity confirmed) in a patient with the disease and no family history.;The prevalence of the variant in affected individuals is significantly increased compared to the prevalence in controls.;Patient's phenotype or family history is highly specific for a disease with a single genetic etiology.

OMIM
Classification: Pathogenic for DENYS-DRASH SYNDROME. Last evaluated: 1996-12-15. Review status: no assertion criteria provided. Collection method: literature only. Allele origin: germline. Not counted in ClinVar's aggregate classification.

OMIM
Classification: Pathogenic for WILMS TUMOR 1. Last evaluated: 1996-12-15. Review status: no assertion criteria provided. Collection method: literature only. Allele origin: germline. Not counted in ClinVar's aggregate classification.

Literature cited by the submitters: PubMed 34308104 (cited by Center for Genomic Medicine, Rigshospitalet, Copenhagen University Hospital); PubMed 36496321 (cited by Center for Genomic Medicine, Rigshospitalet, Copenhagen University Hospital); PubMed 8975729 (cited by Labcorp Genetics (formerly Invitae), Labcorp and OMIM); PubMed 20106868 (cited by Labcorp Genetics (formerly Invitae), Labcorp); PubMed 21508141 (cited by Labcorp Genetics (formerly Invitae), Labcorp); PubMed 23515051 (cited by Labcorp Genetics (formerly Invitae), Labcorp); PubMed 25818337 (cited by Labcorp Genetics (formerly Invitae), Labcorp); PubMed 15150775 (cited by Labcorp Genetics (formerly Invitae), Labcorp); PubMed 9090524 (cited by OMIM).